The following is an entry in ClinVar:

NM_001349253.2(SCN11A):c.4494C>T (p.Phe1498=)

Gene: SCN11A (sodium voltage-gated channel alpha subunit 11; minus strand). Cytogenetic location: 3p22.2.
Variant type: single nucleotide variant.
Coding change: c.4494C>T on transcript NM_001349253.2 (MANE Select); coding-DNA position 4494, C replaced by T.
Protein change: p.Phe1498=; no amino-acid change (phenylalanine 1498 retained).
Molecular consequence: synonymous variant.
Genome position (GRCh38, 1-based): chr3:38,847,576, G>A on the plus strand (C>T on the coding strand, the complement: SCN11A is on the minus strand). VCF-style: chr3-38847576-G-A. GRCh37 (hg19) VCF-style: chr3-38889067-G-A.
Other names: c.4494C>T (NM_014139.2); c.4494C>T, p.Phe1498= (NM_014139.3).
Identifiers: ClinVar variation 1983194 (VCV001983194.5), dbSNP rs1055188884, ClinGen allele CA72960115.

ClinVar aggregate classification (germline): Likely benign. Review status: criteria provided, multiple submitters, no conflicts (2 of 4 stars). 2 submissions from 2 submitters: Likely benign (2). Last evaluated 2026-02-11.

Conditions:
Hereditary sensory and autonomic neuropathy type 7. Also called: HSAN VII; Neuropathy, hereditary sensory and autonomic, type VII. Identifiers: Orphanet 391397, MedGen C3809882, MONDO:0014244, OMIM 615548.
Familial episodic pain syndrome with predominantly lower limb involvement. Also called: Episodic pain syndrome, familial, 3. Identifiers: Orphanet 391384, Orphanet 391392, MedGen C3809899, MONDO:0014247, OMIM 615552.
SCN11A-related disorder. Also called: SCN11A-related condition.

Submissions (2):

PreventionGenetics, part of Exact Sciences
Classification: Likely benign for SCN11A-related condition. Last evaluated: 2026-02-11. Review status: criteria provided, single submitter. Criteria: ACMG Guidelines, 2015. Collection method: clinical testing. Allele origin: germline.
Comment: This variant is classified as likely benign based on ACMG/AMP sequence variant interpretation guidelines (Richards et al. 2015 PMID: 25741868, with internal and published modifications).

Labcorp Genetics (formerly Invitae), Labcorp
Classification: Likely benign for Familial episodic pain syndrome with predominantly lower limb involvement; Hereditary sensory and autonomic neuropathy type 7. Last evaluated: 2024-11-04. Review status: criteria provided, single submitter. Criteria: Invitae Variant Classification Sherloc (09022015). Collection method: clinical testing. Allele origin: germline.